The following is an entry in ClinVar:

NM_001029883.3(PCARE):c.2492C>T (p.Pro831Leu)

Gene: PCARE (photoreceptor cilium actin regulator; minus strand). Cytogenetic location: 2p23.2.
Variant type: single nucleotide variant.
Coding change: c.2492C>T on transcript NM_001029883.3 (MANE Select); coding-DNA position 2492, C replaced by T.
Protein change: p.Pro831Leu; replaces proline 831 with leucine.
Molecular consequence: missense variant.
Genome position (GRCh38, 1-based): chr2:29,071,770, G>A on the plus strand (C>T on the coding strand, the complement: PCARE is on the minus strand). VCF-style: chr2-29071770-G-A. GRCh37 (hg19) VCF-style: chr2-29294636-G-A.
Other names: short protein forms P831L.
Identifiers: ClinVar variation 1418438 (VCV001418438.4), dbSNP rs565663232, ClinGen allele CA1592194.

ClinVar aggregate classification (germline): Uncertain significance. Review status: criteria provided, multiple submitters, no conflicts (2 of 4 stars). 2 submissions from 2 submitters: Uncertain significance (2). Last evaluated 2022-10-24.

Allele frequency attached by ClinVar (database versions not stated): gnomAD 0.00001 and 0.00003; gnomAD exomes 0.00002; ExAC 0.00005; 1000 Genomes Project 30x 0.00031; 1000 Genomes Project 0.00040.
gnomAD v4.1: 18 of 1,613,636 alleles (0.0011%); highest among the groups gnomAD compares: Middle Eastern, 0.017%; no homozygotes.

Submissions (2):

Labcorp Genetics (formerly Invitae), Labcorp
Classification: Uncertain significance. Last evaluated: 2022-10-24. Review status: criteria provided, single submitter. Criteria: Invitae Variant Classification Sherloc (09022015). Collection method: clinical testing. Allele origin: germline.
Comment: This sequence change replaces proline, which is neutral and non-polar, with leucine, which is neutral and non-polar, at codon 831 of the PCARE protein (p.Pro831Leu). This variant is present in population databases (rs565663232, gnomAD 0.01%). This variant has not been reported in the literature in individuals affected with PCARE-related conditions. ClinVar contains an entry for this variant (Variation ID: 1418438). Algorithms developed to predict the effect of missense changes on protein structure and function (SIFT, PolyPhen-2, Align-GVGD) all suggest that this variant is likely to be disruptive. In summary, the available evidence is currently insufficient to determine the role of this variant in disease. Therefore, it has been classified as a Variant of Uncertain Significance.

Blueprint Genetics
Classification: Uncertain significance. Last evaluated: 2022-09-02. Review status: criteria provided, single submitter. Criteria: ACMG Guidelines, 2015. Collection method: clinical testing. Allele origin: germline.